The following is an entry in ClinVar:

NM_002880.4(RAF1):c.545C>T (p.Thr182Ile)

Gene: RAF1 (Raf-1 proto-oncogene, serine/threonine kinase; minus strand). Cytogenetic location: 3p25.2.
Variant type: single nucleotide variant.
Coding change: c.545C>T on transcript NM_002880.4 (MANE Select); coding-DNA position 545, C replaced by T.
Protein change: p.Thr182Ile; replaces threonine 182 with isoleucine.
Molecular consequence: missense variant. On other transcripts: non-coding transcript variant (3).
Genome position (GRCh38, 1-based): chr3:12,608,802, G>A on the plus strand (C>T on the coding strand, the complement: RAF1 is on the minus strand). VCF-style: chr3-12608802-G-A. GRCh37 (hg19) VCF-style: chr3-12650301-G-A.
Other names: c.545C>T, p.Thr182Ile (NM_001354689.3, NM_001354690.3, NM_001354693.3); c.302C>T, p.Thr101Ile (NM_001354691.3, NM_001354692.3, NM_001354694.3 and 1 more transcripts); short protein forms T101I, T182I.
Identifiers: ClinVar variation 1806245 (VCV001806245.2), dbSNP rs2125416528, ClinGen allele CA351516562.

ClinVar aggregate classification (germline): Uncertain significance (1 of 4 stars; one submission).

Conditions:
Noonan syndrome 5 (NS5). Also called: RAF1-Related Noonan Syndrome. Identifiers: Orphanet 648, MedGen C1969057, MONDO:0012690, OMIM 611553. Disease mechanism: gain of function.

Submission:

Victorian Clinical Genetics Services, Murdoch Childrens Research Institute
Classification: Uncertain significance for Noonan syndrome 5. Last evaluated: 2023-07-16. Review status: criteria provided, single submitter. Criteria: ACMG Guidelines, 2015. Collection method: clinical testing. Allele origin: germline. Inheritance: Autosomal dominant inheritance. Affected: yes.
Comment: Based on the classification scheme VCGS_Germline_v1.3.4, this variant is classified as VUS-3B. Following criteria are met: 0103 - Loss of function and gain of function are known mechanisms of disease in this gene. Gain of function is associated with Noonan (MIM#611553) and LEOPARD syndromes (MIM#2611554), while loss of function is associated with non-HCM-associated variants (PMIDs: 17603483, 17603482). (I) 0107 - This gene is associated with autosomal dominant disease. (I) 0200 - Variant is predicted to result in a missense amino acid change from threonine to isoleucine. (I) 0251 - This variant is heterozygous. (I) 0301 - Variant is absent from gnomAD (both v2 and v3). (SP) 0502 - Missense variant with conflicting in silico predictions and uninformative conservation. (I) 0600 - Variant is located in the annotated phorbol esters/diacylglycerol binding domain (C1 domain) (DECIPHER). (I) 0705 - No comparable missense variants have previous evidence for pathogenicity. (I) 0807 - This variant has no previous evidence of pathogenicity. (I) 0905 - No published segregation evidence has been identified for this variant. (I) 1007 - No published functional evidence has been identified for this variant. (I) 1208 - Inheritance information for this variant is not currently available in this individual. (I) Legend: (SP) - Supporting pathogenic, (I) - Information, (SB) - Supporting benign

Literature cited by the submitters: PubMed 17603482; PubMed 17603483.